The following is an entry in ClinVar:

ClinVar aggregate classification (germline): Uncertain significance. Review status: criteria provided, multiple submitters, no conflicts (2 of 4 stars). 2 submissions from 2 submitters: Uncertain significance (2). Last evaluated 2025-10-30.

Allele frequency attached by ClinVar (database versions not stated): TOPMed 0.00002; ExAC 0.00003; ESP Exome Variant Server 0.00008; gnomAD 0.00001.
gnomAD v4.1: 38 of 1,614,064 alleles (0.0024%); highest among the groups gnomAD compares: Middle Eastern, 0.049%; no homozygotes.

Submissions (2):

Labcorp Genetics (formerly Invitae), Labcorp
Classification: Uncertain significance. Last evaluated: 2025-10-30. Review status: criteria provided, single submitter. Criteria: Invitae Variant Classification Sherloc (09022015). Collection method: clinical testing. Allele origin: germline.
Comment: This sequence change replaces glycine, which is neutral and non-polar, with arginine, which is basic and polar, at codon 134 of the ZHX3 protein (p.Gly134Arg). This variant is present in population databases (rs147244423, gnomAD 0.006%). This variant has not been reported in the literature in individuals affected with ZHX3-related conditions. ClinVar contains an entry for this variant (Variation ID: 2598444). An algorithm developed to predict the effect of missense changes on protein structure and function (PolyPhen-2) suggests that this variant is likely to be disruptive. In summary, the available evidence is currently insufficient to determine the role of this variant in disease. Therefore, it has been classified as a Variant of Uncertain Significance.

Ambry Genetics
Classification: Uncertain significance. Last evaluated: 2023-09-12. Review status: criteria provided, single submitter. Criteria: Ambry Variant Classification Scheme 2023. Collection method: clinical testing. Allele origin: germline.

NM_001384317.1(ZHX3):c.400G>A (p.Gly134Arg)

Gene: ZHX3 (zinc fingers and homeoboxes 3; minus strand). Cytogenetic location: 20q12.
Variant type: single nucleotide variant.
Coding change: c.400G>A on transcript NM_001384317.1 (MANE Select); coding-DNA position 400, G replaced by A.
Protein change: p.Gly134Arg; replaces glycine 134 with arginine.
Molecular consequence: missense variant.
Genome position (GRCh38, 1-based): chr20:41,204,517, C>T on the plus strand (G>A on the coding strand, the complement: ZHX3 is on the minus strand). VCF-style: chr20-41204517-C-T. GRCh37 (hg19) VCF-style: chr20-39833157-C-T.
Other names: c.400G>A, p.Gly134Arg (NM_001384315.1, NM_001384316.1, NM_001384318.1 and 8 more transcripts); short protein forms G134R.
Identifiers: ClinVar variation 2598444 (VCV002598444.5), dbSNP rs147244423, ClinGen allele CA9860118.
Genomic context (GRCh38, chr20:41,204,517, plus strand): 5'-TCTGCTCCACAACCACATGATTGTCTGGCTTGGCCACGTTCCACACAAAGCTGGCTTCCC[C>T]GGAGTGACATGTGGCATTGTGCAAGGAAAGCCCCTCAGGGGTTTTTGCCAGAAAACTGCA-3'
Protein context (NP_001371246.1, residues 124-144): LSLHNATCHS[Gly134Arg]EASFVWNVAK